The following is an entry in ClinVar:

NM_013352.4(DSE):c.1897G>A (p.Val633Met)

Gene: DSE (dermatan sulfate epimerase; plus strand). Cytogenetic location: 6q22.1.
Variant type: single nucleotide variant.
Coding change: c.1897G>A on transcript NM_013352.4 (MANE Select); coding-DNA position 1897, G replaced by A.
Protein change: p.Val633Met; replaces valine 633 with methionine.
Molecular consequence: missense variant. On other transcripts: 3 prime UTR variant (2), non-coding transcript variant (1).
Genome position (GRCh38, 1-based): chr6:116,436,365, G>A. VCF-style: chr6-116436365-G-A. GRCh37 (hg19) VCF-style: chr6-116757528-G-A.
Other names: p.Val633Met; c.1897G>A, p.Val633Met (NM_001080976.3, NM_001322937.2, NM_001322938.2); c.1954G>A, p.Val652Met (NM_001322939.2); c.1336G>A, p.Val446Met (NM_001322940.2, NM_001322941.2); c.*762G>A (NM_001322943.2, NM_001322944.2); c.898G>A, p.Val300Met (NM_001374520.1); c.862G>A, p.Val288Met (NM_001374521.1); short protein forms V633M, V446M, V652M, V300M, V288M.
Identifiers: ClinVar variation 450138 (VCV000450138.14), dbSNP rs550208733, ClinGen allele CA3969726.

ClinVar aggregate classification (germline): Conflicting classifications of pathogenicity. Review status: criteria provided, conflicting classifications (1 of 4 stars). 4 submissions from 4 submitters: Uncertain significance (2); Benign (1); Likely benign (1). Last evaluated 2025-12-11.

Conditions:
Inborn genetic diseases. Identifiers: MedGen C0950123, MeSH D030342.
Ehlers-Danlos syndrome, musculocontractural type 2 (EDSMC2). Identifiers: Orphanet 2953, MedGen C3809845, MONDO:0014236, OMIM 615539.

Allele frequency attached by ClinVar (database versions not stated): gnomAD below 0.00001 and 0.00025; TOPMed 0.00003; gnomAD exomes 0.00035 and 0.00083; ExAC 0.00091; 1000 Genomes Project 0.00200; 1000 Genomes Project 30x 0.00203.

Submissions (4):

Labcorp Genetics (formerly Invitae), Labcorp
Classification: Likely benign for Ehlers-Danlos syndrome, musculocontractural type 2. Last evaluated: 2025-12-11. Review status: criteria provided, single submitter. Criteria: Invitae Variant Classification Sherloc (09022015). Collection method: clinical testing. Allele origin: germline.

Ambry Genetics
Classification: Uncertain significance for Inborn genetic diseases. Last evaluated: 2025-06-17. Review status: criteria provided, single submitter. Criteria: Ambry Variant Classification Scheme 2023. Collection method: clinical testing. Allele origin: germline.

Mayo Clinic Laboratories, Mayo Clinic
Classification: Benign. Last evaluated: 2024-07-10. Review status: criteria provided, single submitter. Criteria: ACMG Guidelines, 2015. Collection method: clinical testing. Allele origin: germline. Observed: 2 variant alleles.
Comment: BS1, BS2, BP4

GeneDx
Classification: Uncertain significance. Last evaluated: 2017-06-30. Review status: criteria provided, single submitter. Criteria: GeneDx Variant Classification (06012015). Collection method: clinical testing. Allele origin: germline. Affected: yes.
Comment: A variant of uncertain significance has been identified in the DSE gene. The V633M variant has not been published as pathogenic or been reported as benign to our knowledge. This variant is observed in 110/16512 (0.7%) alleles from individuals of South Asian ancestry, including one homozygous individual, in the Exome Aggregation Consortium (ExAC) dataset (Lek et al., 2016; Exome Variant Server). The V633M variant is a conservative amino acid substitution, which is not likely to impact secondary protein structure as these residues share similar properties. This substitution occurs at a position that is only conserved in mammals. Finally, in silico analysis suggests that this variant likely does not alter the protein structure/function.